The following is an entry in ClinVar:

NM_000350.3(ABCA4):c.1237A>T (p.Asn413Tyr)

Gene: ABCA4 (ATP binding cassette subfamily A member 4; minus strand). Cytogenetic location: 1p22.1.
Variant type: single nucleotide variant.
Coding change: c.1237A>T on transcript NM_000350.3 (MANE Select); coding-DNA position 1237, A replaced by T.
Protein change: p.Asn413Tyr; replaces asparagine 413 with tyrosine.
Molecular consequence: missense variant.
Genome position (GRCh38, 1-based): chr1:94,079,324, T>A on the plus strand (A>T on the coding strand, the complement: ABCA4 is on the minus strand). VCF-style: chr1-94079324-T-A. GRCh37 (hg19) VCF-style: chr1-94544880-T-A.
Other names: c.1237A>T, p.Asn413Tyr (NM_001425324.1); short protein forms N413Y.
Identifiers: ClinVar variation 1011177 (VCV001011177.9), dbSNP rs763545409, ClinGen allele CA341283260.
Genomic context (GRCh38, chr1:94,079,324, plus strand): 5'-CACACACACACTTCTGGGAGGTCCAGGGTACACAAGGCAAGCCCAGCTGGGATCTTACAT[T>A]CTTCAGTATCCTTCGTGCTGCAGGTGAATCAGGAGTGTACAGGATTTTTCCCATCAGCAA-3'
Protein context (NP_000341.2, residues 403-423): DSPAARRILK[Asn413Tyr]ANSTFEELEH

ClinVar aggregate classification (germline): Conflicting classifications of pathogenicity. Review status: criteria provided, conflicting classifications (1 of 4 stars). 2 submissions from 2 submitters: Pathogenic (1); Uncertain significance (1). Last evaluated 2025-09-30.

Allele frequency attached by ClinVar (database versions not stated): TOPMed below 0.00001.
gnomAD v4.1: 1 of 1,614,130 alleles (0.000062%); highest among the groups gnomAD compares: Admixed American, 0.0017%; no homozygotes.

Submissions (2):

Labcorp Genetics (formerly Invitae), Labcorp
Classification: Pathogenic. Last evaluated: 2025-09-30. Review status: criteria provided, single submitter. Criteria: Invitae Variant Classification Sherloc (09022015). Collection method: clinical testing. Allele origin: germline.
Comment: This sequence change replaces asparagine, which is neutral and polar, with tyrosine, which is neutral and polar, at codon 413 of the ABCA4 protein (p.Asn413Tyr). This variant is present in population databases (no rsID available, gnomAD 0.003%). This missense change has been observed in individual(s) with Stargardt disease (internal data). In at least one individual the data is consistent with being in trans (on the opposite chromosome) from a pathogenic variant. ClinVar contains an entry for this variant (Variation ID: 1011177). An algorithm developed to predict the effect of missense changes on protein structure and function (PolyPhen-2) suggests that this variant is likely to be tolerated. Algorithms developed to predict the effect of sequence changes on RNA splicing suggest that this variant may disrupt the consensus splice site. For these reasons, this variant has been classified as Pathogenic.

Blueprint Genetics
Classification: Uncertain significance. Last evaluated: 2022-06-08. Review status: criteria provided, single submitter. Criteria: ACMG Guidelines, 2015. Collection method: clinical testing. Allele origin: germline.